The following is an entry in ClinVar:

ClinVar aggregate classification (germline): Likely pathogenic (1 of 4 stars; one submission).

Conditions:
3M syndrome 2. Also called: THREE M SYNDROME 2; 3-M Syndrome, OBSL1-Related. Identifiers: Orphanet 2616, MedGen C2752041, MONDO:0013039, OMIM 612921.

Submission:

Centre for Mendelian Genomics, University Medical Centre Ljubljana
Classification: Likely pathogenic for 3M syndrome 2. Last evaluated: 2019-02-25. Review status: criteria provided, single submitter. Criteria: ACMG Guidelines, 2015. Collection method: clinical testing. Allele origin: unknown. Affected: yes.
Comment: This variant was classified as: Likely pathogenic. The following ACMG criteria were applied in classifying this variant: PVS1,PM2.

NM_015311.3(OBSL1):c.2635del (p.Cys879fs)

Gene: OBSL1 (obscurin like cytoskeletal adaptor 1; minus strand). Cytogenetic location: 2q35.
Variant type: Deletion.
Coding change: c.2635del on transcript NM_015311.3 (MANE Select); coding-DNA position 2635, one base deleted (T; older notation c.2635delT).
Protein change: p.Cys879fs; shifts the reading frame from cysteine 879.
Molecular consequence: frameshift variant.
Genome position (GRCh38, 1-based): chr2:219,563,400, A deleted on the plus strand (T on the coding strand, the reverse complement: OBSL1 is on the minus strand). VCF-style (leftmost placement, unchanged base first): chr2-219563399-CA-C. GRCh37 (hg19) VCF-style: chr2-220428121-CA-C.
Other names: c.2635del, p.Cys879fs (NM_001173408.2, NM_001173431.2); short protein forms C879fs.
Identifiers: ClinVar variation 931501 (VCV000931501.3), dbSNP rs1696644780, ClinGen allele CA1139657701.